The following is an entry in ClinVar:

ClinVar aggregate classification (germline): Uncertain significance (1 of 4 stars; one submission).

Submission:

CeGaT Center for Human Genetics Tuebingen
Classification: Uncertain significance. Last evaluated: 2024-09-01. Review status: criteria provided, single submitter. Criteria: CeGaT Center For Human Genetics Tuebingen Variant Classification Criteria Version 2. Collection method: clinical testing. Allele origin: germline. Affected: yes. Observed: 1 variant allele.
Comment: KIF1C: PM2

NM_006612.6(KIF1C):c.2317_2318delinsAA (p.Ala773Asn)

Gene: KIF1C (kinesin family member 1C; plus strand). Cytogenetic location: 17p13.2.
Variant type: Indel.
Coding change: c.2317_2318delinsAA on transcript NM_006612.6 (MANE Select); coding-DNA positions 2317 to 2318, GC replaced by AA.
Protein change: p.Ala773Asn; replaces alanine 773 with asparagine.
Molecular consequence: missense variant.
Genome position (GRCh38, 1-based): chr17:5,022,398-5,022,399, GC replaced by AA. VCF-style: chr17-5022398-GC-AA. GRCh37 (hg19) VCF-style: chr17-4925693-GC-AA.
Other names: short protein forms A773N.
Identifiers: ClinVar variation 3390283 (VCV003390283.14).